The following is an entry in ClinVar:

NM_001377530.1(DMBT1):c.2009G>T (p.Arg670Leu)

Gene: DMBT1 (deleted in malignant brain tumors 1; plus strand). Cytogenetic location: 10q26.13.
Variant type: single nucleotide variant.
Coding change: c.2009G>T on transcript NM_001377530.1 (MANE Select); coding-DNA position 2009, G replaced by T.
Protein change: p.Arg670Leu; replaces arginine 670 with leucine.
Molecular consequence: missense variant. On other transcripts: intron variant (1).
Genome position (GRCh38, 1-based): chr10:122,589,169, G>T. VCF-style: chr10-122589169-G-T. GRCh37 (hg19) VCF-style: chr10-124348685-G-T.
Other names: c.2009G>T, p.Arg670Leu (NM_001320644.2, NM_007329.3); c.1979G>T, p.Arg660Leu (NM_017579.3); c.1420+4818G>T (NM_004406.3); short protein forms R660L, R670L.
Identifiers: ClinVar variation 3040062 (VCV003040062.2), dbSNP rs28493439, ClinGen allele CA5726993.

ClinVar aggregate classification (germline): Benign (0 of 4 stars; one submission).

Conditions:
DMBT1-related disorder. Also called: DMBT1-related condition.

Allele frequency attached by ClinVar (database versions not stated): 1000 Genomes Project 0.00699; 1000 Genomes Project 30x 0.00734.
gnomAD v4.1: 1,237 of 1,588,408 alleles (0.078%); highest among the groups gnomAD compares: East Asian, 2.3%; 201 homozygotes.

Submission:

PreventionGenetics, part of Exact Sciences
Classification: Benign for DMBT1-related condition. Last evaluated: 2019-09-30. Review status: no assertion criteria provided. Collection method: clinical testing. Allele origin: germline.
Comment: This variant is classified as benign based on ACMG/AMP sequence variant interpretation guidelines (Richards et al. 2015 PMID: 25741868, with internal and published modifications).